The following is an entry in ClinVar:

ClinVar aggregate classification (germline): Pathogenic/Likely pathogenic. Review status: criteria provided, multiple submitters, no conflicts (2 of 4 stars). 3 submissions from 3 submitters: Pathogenic (2); Likely pathogenic (1). Last evaluated 2026-01-26.

Conditions:
BBS2-related disorder. Also called: BBS2-related disorders; BBS2-related condition. Identifiers: MedGen CN239228.
BBS2-related ciliopathy. Identifiers: MedGen CN378634, MONDO:1040048.
Bardet-Biedl syndrome (BBS). Identifiers: Orphanet 110, MedGen C0752166, MONDO:0015229.

Submissions (3):

Labcorp Genetics (formerly Invitae), Labcorp
Classification: Pathogenic for Bardet-Biedl syndrome. Last evaluated: 2026-01-26. Review status: criteria provided, single submitter. Criteria: Invitae Variant Classification Sherloc (09022015). Collection method: clinical testing. Allele origin: germline.
Comment: This sequence change creates a premature translational stop signal (p.Tyr103Metfs*14) in the BBS2 gene. It is expected to result in an absent or disrupted protein product. Loss-of-function variants in BBS2 are known to be pathogenic (PMID: 11285252, 20177705, 24608809, 26518167). This variant is present in population databases (rs753557069, gnomAD 0.003%). This variant has not been reported in the literature in individuals affected with BBS2-related conditions. ClinVar contains an entry for this variant (Variation ID: 2735629). For these reasons, this variant has been classified as Pathogenic.

Myriad Genetics, Inc.
Classification: Pathogenic for BBS2-related ciliopathy. Last evaluated: 2025-03-29. Review status: criteria provided, single submitter. Criteria: Myriad Autosomal Dominant, Autosomal Recessive and X-Linked Classification Criteria (2023). Collection method: clinical testing. Allele origin: unknown.
Comment: NM_031885.3(BBS2):c.307delT(Y103Mfs*14) is expected to be pathogenic in the context of Bardet-Biedl syndrome, BBS2-related. This variant is predicted to lead to an abnormal or absent protein product due to the creation of a premature termination codon in BBS2, a gene where loss-of-function variants are known to be pathogenic. Please note: this variant was assessed in the context of healthy population screening.

Blueprint Genetics
Classification: Likely pathogenic for BBS2-related disorders. Last evaluated: 2019-05-13. Review status: criteria provided, single submitter. Criteria: ACMG Guidelines, 2015. Collection method: clinical testing. Allele origin: germline. Affected: yes. Observed: 1 variant allele.

Literature cited by the submitters: PubMed 11285252 (cited by Labcorp Genetics (formerly Invitae), Labcorp); PubMed 20177705 (cited by Labcorp Genetics (formerly Invitae), Labcorp); PubMed 24608809 (cited by Labcorp Genetics (formerly Invitae), Labcorp); PubMed 26518167 (cited by Labcorp Genetics (formerly Invitae), Labcorp).

NM_031885.5(BBS2):c.307del (p.Tyr103fs)

Gene: BBS2 (Bardet-Biedl syndrome 2; minus strand). Cytogenetic location: 16q13.
Variant type: Deletion.
Coding change: c.307del on transcript NM_031885.5 (MANE Select); coding-DNA position 307, one base deleted (T; older notation c.307delT).
Protein change: p.Tyr103fs; shifts the reading frame from tyrosine 103.
Molecular consequence: frameshift variant. On other transcripts: non-coding transcript variant (5).
Genome position (GRCh38, 1-based): chr16:56,514,491, A deleted on the plus strand (T on the coding strand, the reverse complement: BBS2 is on the minus strand); the first of 2 consecutive A bases (chr16:56,514,491-56,514,492); deleting either gives the same sequence. VCF-style (leftmost placement, unchanged base first): chr16-56514490-TA-T. GRCh37 (hg19) VCF-style: chr16-56548402-TA-T.
Other names: c.307del, p.Tyr103fs (NM_001377456.1); short protein forms Y103fs.
Identifiers: ClinVar variation 2735629 (VCV002735629.5), dbSNP rs753557069, ClinGen allele CA8066085.